The following is an entry in ClinVar:

NM_022455.5(NSD1):c.5204A>G (p.Asn1735Ser)

Gene: NSD1 (nuclear receptor binding SET domain protein 1; plus strand). Cytogenetic location: 5q35.3.
Variant type: single nucleotide variant.
Coding change: c.5204A>G on transcript NM_022455.5 (MANE Select); coding-DNA position 5204, A replaced by G.
Protein change: p.Asn1735Ser; replaces asparagine 1735 with serine.
Molecular consequence: missense variant.
Genome position (GRCh38, 1-based): chr5:177,267,619, A>G. VCF-style: chr5-177267619-A-G. GRCh37 (hg19) VCF-style: chr5-176694620-A-G.
Other names: c.4331A>G, p.Asn1444Ser (NM_001365684.2, NM_001409308.1, NM_001409309.1 and 1 more transcripts); c.5204A>G, p.Asn1735Ser (NM_001409301.1, NM_001409302.1, NM_001409303.1); c.4784A>G, p.Asn1595Ser (NM_001409304.1); c.4451A>G, p.Asn1484Ser (NM_001409305.1); c.4442A>G, p.Asn1481Ser (NM_001409306.1, NM_001409307.1); short protein forms N1466S, N1735S, N1481S, N1595S, N1484S, N1444S.
Identifiers: ClinVar variation 1043145 (VCV001043145.10), dbSNP rs746925986, ClinGen allele CA3577789.

ClinVar aggregate classification (germline): Uncertain significance. Review status: criteria provided, multiple submitters, no conflicts (2 of 4 stars). 2 submissions from 2 submitters: Uncertain significance (2). Last evaluated 2025-07-30.

Conditions:
Sotos syndrome (SOTOS). Also called: Sotos' syndrome; CHROMOSOME 5q35 DELETION SYNDROME; SOTOS SYNDROME 1; Distinctive facial appearance, overgrowth in childhood, and learning disabilities or delayed development; CEREBRAL GIGANTISM. Identifiers: Orphanet 821, MedGen C0175695, MONDO:0019349, OMIM 117550.

Allele frequency attached by ClinVar (database versions not stated): ExAC 0.00001; gnomAD exomes 0.00001; TOPMed 0.00002.
gnomAD v4.1: 3 of 1,614,076 alleles (0.00019%); highest among the groups gnomAD compares: Admixed American, 0.005%; no homozygotes.

Submissions (2):

Labcorp Genetics (formerly Invitae), Labcorp
Classification: Uncertain significance. Last evaluated: 2025-07-30. Review status: criteria provided, single submitter. Criteria: Invitae Variant Classification Sherloc (09022015). Collection method: clinical testing. Allele origin: germline.
Comment: This sequence change replaces asparagine, which is neutral and polar, with serine, which is neutral and polar, at codon 1735 of the NSD1 protein (p.Asn1735Ser). This variant is present in population databases (rs746925986, gnomAD 0.009%). This variant has not been reported in the literature in individuals affected with NSD1-related conditions. ClinVar contains an entry for this variant (Variation ID: 1043145). Invitae Evidence Modeling of protein sequence and biophysical properties (such as structural, functional, and spatial information, amino acid conservation, physicochemical variation, residue mobility, and thermodynamic stability) indicates that this missense variant is not expected to disrupt NSD1 protein function with a negative predictive value of 80%. In summary, the available evidence is currently insufficient to determine the role of this variant in disease. Therefore, it has been classified as a Variant of Uncertain Significance.

Fulgent Genetics
Classification: Uncertain significance for Sotos syndrome. Last evaluated: 2022-02-04. Review status: criteria provided, single submitter. Criteria: ACMG Guidelines, 2015. Collection method: clinical testing. Allele origin: unknown.